The following is an entry in ClinVar:

NM_005477.3(HCN4):c.2410G>A (p.Ala804Thr)

Gene: HCN4 (hyperpolarization activated cyclic nucleotide gated potassium channel 4; minus strand). Cytogenetic location: 15q24.1.
Variant type: single nucleotide variant.
Coding change: c.2410G>A on transcript NM_005477.3 (MANE Select); coding-DNA position 2410, G replaced by A.
Protein change: p.Ala804Thr; replaces alanine 804 with threonine.
Molecular consequence: missense variant.
Genome position (GRCh38, 1-based): chr15:73,323,683, C>T on the plus strand (G>A on the coding strand, the complement: HCN4 is on the minus strand). VCF-style: chr15-73323683-C-T. GRCh37 (hg19) VCF-style: chr15-73616024-C-T.
Other names: c.2410G>A (NM_005477.2); short protein forms A804T.
Identifiers: ClinVar variation 2807216 (VCV002807216.4), dbSNP rs1190537259, ClinGen allele CA393088948.
Genomic context (GRCh38, chr15:73,323,683, plus strand): 5'-TTGGCGTCTGCCCGGCACCGAGGTTGCCCAGCCCAGATCCTGGGGGAGGGCGGAAGATGG[C>T]AGCAGGCAGGCGAGGGTGGTGGGTGAGGGCTATGGCCACAGAAGTGGTGGCAGCGGCAGC-3'
Protein context (NP_005468.1, residues 794-814): ALTHHPRLPA[Ala804Thr]IFRPPPGSGL

ClinVar aggregate classification (germline): Uncertain significance. Review status: criteria provided, multiple submitters, no conflicts (2 of 4 stars). 2 submissions from 2 submitters: Uncertain significance (2). Last evaluated 2025-08-30.

Conditions:
Brugada syndrome 8 (BRGDA8). Identifiers: Orphanet 130, MedGen C2751083, MONDO:0013148, OMIM 613123.
Cardiovascular phenotype. Identifiers: MedGen CN230736.

Allele frequency attached by ClinVar (database versions not stated): gnomAD exomes below 0.00001; gnomAD 0.00002; TOPMed 0.00001.

Submissions (2):

Ambry Genetics
Classification: Uncertain significance for Cardiovascular phenotype. Last evaluated: 2025-08-30. Review status: criteria provided, single submitter. Criteria: Ambry Variant Classification Scheme 2023. Collection method: clinical testing. Allele origin: germline.

Labcorp Genetics (formerly Invitae), Labcorp
Classification: Uncertain significance for Brugada syndrome 8. Last evaluated: 2025-02-18. Review status: criteria provided, single submitter. Criteria: Invitae Variant Classification Sherloc (09022015). Collection method: clinical testing. Allele origin: germline.
Comment: This sequence change replaces alanine, which is neutral and non-polar, with threonine, which is neutral and polar, at codon 804 of the HCN4 protein (p.Ala804Thr). The frequency data for this variant in the population databases is considered unreliable, as metrics indicate poor data quality at this position in the gnomAD database. This variant has not been reported in the literature in individuals affected with HCN4-related conditions. ClinVar contains an entry for this variant (Variation ID: 2807216). Invitae Evidence Modeling of protein sequence and biophysical properties (such as structural, functional, and spatial information, amino acid conservation, physicochemical variation, residue mobility, and thermodynamic stability) indicates that this missense variant is not expected to disrupt HCN4 protein function with a negative predictive value of 95%. In summary, the available evidence is currently insufficient to determine the role of this variant in disease. Therefore, it has been classified as a Variant of Uncertain Significance.